The following is an entry in ClinVar:

ClinVar aggregate classification (germline): Uncertain significance (1 of 4 stars; one submission).

gnomAD v4.1: 6 of 1,528,548 alleles (0.00039%); highest among the groups gnomAD compares: Non-Finnish European, 0.00035%; no homozygotes.

Submission:

CeGaT Center for Human Genetics Tuebingen
Classification: Uncertain significance. Last evaluated: 2024-10-01. Review status: criteria provided, single submitter. Criteria: CeGaT Center For Human Genetics Tuebingen Variant Classification Criteria Version 2. Collection method: clinical testing. Allele origin: germline. Affected: yes. Observed: 1 variant allele.
Comment: NEFH: PVS1:Strong, PM2:Supporting

NM_021076.4(NEFH):c.880C>T (p.Arg294Ter)

Gene: NEFH (neurofilament heavy chain; plus strand). Cytogenetic location: 22q12.2.
Variant type: single nucleotide variant.
Coding change: c.880C>T on transcript NM_021076.4 (MANE Select); coding-DNA position 880, C replaced by T.
Protein change: p.Arg294Ter; replaces arginine 294 with a stop codon.
Molecular consequence: nonsense.
Genome position (GRCh38, 1-based): chr22:29,481,142, C>T. VCF-style: chr22-29481142-C-T. GRCh37 (hg19) VCF-style: chr22-29877131-C-T.
Other names: short protein forms R294*.
Identifiers: ClinVar variation 3389975 (VCV003389975.14).